The following is an entry in ClinVar:

NM_032730.5(RTN4IP1):c.1055A>C (p.Asp352Ala)

Gene: RTN4IP1 (reticulon 4 interacting protein 1; minus strand). Cytogenetic location: 6q21.
Variant type: single nucleotide variant.
Coding change: c.1055A>C on transcript NM_032730.5 (MANE Select); coding-DNA position 1055, A replaced by C.
Protein change: p.Asp352Ala; replaces aspartic acid 352 with alanine.
Molecular consequence: missense variant.
Genome position (GRCh38, 1-based): chr6:106,583,356, T>G on the plus strand (A>C on the coding strand, the complement: RTN4IP1 is on the minus strand). VCF-style: chr6-106583356-T-G. GRCh37 (hg19) VCF-style: chr6-107031231-T-G.
Other names: c.755A>C, p.Asp252Ala (NM_001318746.1); short protein forms D252A, D352A.
Identifiers: ClinVar variation 2040356 (VCV002040356.4), dbSNP rs372106088, ClinGen allele CA3944299.

ClinVar aggregate classification (germline): Uncertain significance (1 of 4 stars; one submission).

Allele frequency attached by ClinVar (database versions not stated): ESP Exome Variant Server 0.00008; ExAC 0.00001; TOPMed 0.00002; gnomAD 0.00003.
gnomAD v4.1: 4 of 1,613,658 alleles (0.00025%); highest among the groups gnomAD compares: Non-Finnish European, 0.00034%; no homozygotes.

Submission:

Labcorp Genetics (formerly Invitae), Labcorp
Classification: Uncertain significance. Last evaluated: 2022-05-20. Review status: criteria provided, single submitter. Criteria: Invitae Variant Classification Sherloc (09022015). Collection method: clinical testing. Allele origin: germline.
Comment: Algorithms developed to predict the effect of missense changes on protein structure and function (SIFT, PolyPhen-2, Align-GVGD) all suggest that this variant is likely to be tolerated. This sequence change replaces aspartic acid, which is acidic and polar, with alanine, which is neutral and non-polar, at codon 352 of the RTN4IP1 protein (p.Asp352Ala). This variant is present in population databases (rs372106088, gnomAD 0.002%). This variant has not been reported in the literature in individuals affected with RTN4IP1-related conditions. In summary, the available evidence is currently insufficient to determine the role of this variant in disease. Therefore, it has been classified as a Variant of Uncertain Significance.